The following is an entry in ClinVar:

NM_003482.4(KMT2D):c.4552del (p.Asp1518fs)

Gene: KMT2D (lysine methyltransferase 2D; minus strand). Cytogenetic location: 12q13.12.
Variant type: Deletion.
Coding change: c.4552del on transcript NM_003482.4 (MANE Select); coding-DNA position 4552, one base deleted (G; older notation c.4552delG).
Protein change: p.Asp1518fs; shifts the reading frame from aspartic acid 1518.
Molecular consequence: frameshift variant.
Genome position (GRCh38, 1-based): chr12:49,046,291, C deleted on the plus strand (G on the coding strand, the reverse complement: KMT2D is on the minus strand); the first of 2 consecutive C bases (chr12:49,046,291-49,046,292); deleting either gives the same sequence. VCF-style (leftmost placement, unchanged base first): chr12-49046290-TC-T. GRCh37 (hg19) VCF-style: chr12-49440073-TC-T.
Other names: short protein forms D1518fs.
Identifiers: ClinVar variation 4850174 (VCV004850174.1).

ClinVar aggregate classification (germline): Pathogenic (1 of 4 stars; one submission).

Conditions:
Kabuki syndrome 1 (KABUK1). Also called: KMT2D-Related Kabuki Syndrome. Identifiers: Orphanet 2322, MedGen CN030661, MONDO:0007843, OMIM 147920.

Submission:

Variantyx, Inc.
Classification: Pathogenic for Kabuki syndrome 1. Last evaluated: 2026-01-09. Review status: criteria provided, single submitter. Criteria: Variantyx Assertion Criteria 2022. Collection method: clinical testing. Allele origin: de novo. Inheritance: Autosomal dominant inheritance. Affected: yes.
Comment: This is a frameshift variant in the KMT2D gene (OMIM: 602113). Pathogenic variants in this gene have been associated with autosomal dominant KMT2D-related disorders, including Kabuki syndrome 1. This variant introduces a premature termination codon in exon 17 out of 55 and is expected to result in loss of function, which is a known disease mechanism for KMT2D in this disorder (PVS1) (PMID:PMID: 20711175, 21671394, 21607748). It is absent from control populations (PM2). and it has not been reported in individuals with KMT2D-related disorders in the databases available for review. Based on the current evidence, this variant is classified as pathogenic for autosomal dominant Kabuki syndrome 1.

Literature cited by the submitters: PubMed 20711175; PubMed 21671394; PubMed 21607748.